The following is an entry in ClinVar:

NM_000751.3(CHRND):c.988G>A (p.Val330Met)

Gene: CHRND (cholinergic receptor nicotinic delta subunit; plus strand). Cytogenetic location: 2q37.1.
Variant type: single nucleotide variant.
Coding change: c.988G>A on transcript NM_000751.3 (MANE Select); coding-DNA position 988, G replaced by A.
Protein change: p.Val330Met; replaces valine 330 with methionine.
Molecular consequence: missense variant.
Genome position (GRCh38, 1-based): chr2:232,531,597, G>A. VCF-style: chr2-232531597-G-A. GRCh37 (hg19) VCF-style: chr2-233396307-G-A.
Other names: c.943G>A, p.Val315Met (NM_001256657.2); c.406G>A, p.Val136Met (NM_001311195.2); c.685G>A, p.Val229Met (NM_001311196.2); short protein forms V330M, V229M, V315M, V136M.
Identifiers: ClinVar variation 587432 (VCV000587432.9), dbSNP rs773972915, ClinGen allele CA2168221.

ClinVar aggregate classification (germline): Uncertain significance. Review status: criteria provided, multiple submitters, no conflicts (2 of 4 stars). 3 submissions from 3 submitters: Uncertain significance (3). Last evaluated 2024-01-24.

Conditions:
Lethal multiple pterygium syndrome (LMPS). Identifiers: Orphanet 33108, MedGen C1854678, MONDO:0009668, OMIM 253290.

Allele frequency attached by ClinVar (database versions not stated): TOPMed 0.00002; gnomAD 0.00003 and 0.00004; gnomAD exomes 0.00004 and 0.00007; ExAC 0.00007.

Submissions (3):

Revvity Omics, Revvity
Classification: Uncertain significance. Last evaluated: 2024-01-24. Review status: criteria provided, single submitter. Criteria: ACMG Guidelines, 2015. Collection method: clinical testing. Allele origin: germline.

Labcorp Genetics (formerly Invitae), Labcorp
Classification: Uncertain significance for Lethal multiple pterygium syndrome. Last evaluated: 2022-08-02. Review status: criteria provided, single submitter. Criteria: Invitae Variant Classification Sherloc (09022015). Collection method: clinical testing. Allele origin: germline.
Comment: In summary, the available evidence is currently insufficient to determine the role of this variant in disease. Therefore, it has been classified as a Variant of Uncertain Significance. Advanced modeling of protein sequence and biophysical properties (such as structural, functional, and spatial information, amino acid conservation, physicochemical variation, residue mobility, and thermodynamic stability) performed at Invitae indicates that this missense variant is expected to disrupt CHRND protein function. ClinVar contains an entry for this variant (Variation ID: 587432). This variant has not been reported in the literature in individuals affected with CHRND-related conditions. This variant is present in population databases (rs773972915, gnomAD 0.04%). This sequence change replaces valine, which is neutral and non-polar, with methionine, which is neutral and non-polar, at codon 330 of the CHRND protein (p.Val330Met).

Genomic Research Center, Shahid Beheshti University of Medical Sciences
Classification: Uncertain significance for Lethal multiple pterygium syndrome. Last evaluated: 2018-08-07. Review status: criteria provided, single submitter. Criteria: ACMG Guidelines, 2015. Collection method: clinical testing. Allele origin: inherited. Affected: yes. Observed: 1 variant allele.